The following is an entry in ClinVar:

ClinVar aggregate classification (germline): Uncertain significance (1 of 4 stars; one submission).

gnomAD v4.1: 9 of 1,610,696 alleles (0.00056%); highest among the groups gnomAD compares: Non-Finnish European, 0.00076%; no homozygotes.

Submission:

Labcorp Genetics (formerly Invitae), Labcorp
Classification: Uncertain significance. Last evaluated: 2025-10-08. Review status: criteria provided, single submitter. Criteria: Invitae Variant Classification Sherloc (09022015). Collection method: clinical testing. Allele origin: germline.
Comment: This sequence change replaces serine, which is neutral and polar, with arginine, which is basic and polar, at codon 618 of the SUCO protein (p.Ser618Arg). This variant is not present in population databases (gnomAD no frequency). This variant has not been reported in the literature in individuals affected with SUCO-related conditions. An algorithm developed to predict the effect of missense changes on protein structure and function (PolyPhen-2) suggests that this variant is likely to be disruptive. In summary, the available evidence is currently insufficient to determine the role of this variant in disease. Therefore, it has been classified as a Variant of Uncertain Significance.

NM_014283.5(SUCO):c.1854T>A (p.Ser618Arg)

Gene: SUCO (SUN domain containing ossification factor; plus strand). Cytogenetic location: 1q24.3.
Variant type: single nucleotide variant.
Coding change: c.1854T>A on transcript NM_014283.5 (MANE Select); coding-DNA position 1854, T replaced by A.
Protein change: p.Ser618Arg; replaces serine 618 with arginine.
Molecular consequence: missense variant. On other transcripts: intron variant (1).
Genome position (GRCh38, 1-based): chr1:172,588,955, T>A. VCF-style: chr1-172588955-T-A. GRCh37 (hg19) VCF-style: chr1-172558095-T-A.
Other names: c.165T>A, p.Ser55Arg (NM_001282751.2); c.2307T>A, p.Ser769Arg (NM_016227.4); c.1712+31T>A (NM_001282750.2); short protein forms S769R, S618R, S55R.
Identifiers: ClinVar variation 4754110 (VCV004754110.1).
Genomic context (GRCh38, chr1:172,588,955, plus strand): 5'-CGGTGAACAGGAAGATGAATCATCACCCTGGTTTGAGTCAGAGACACAAATATTTTGCAG[T>A]GAACTGACCACAATTTGTTGTATTTCTAGTTTTTCAGAATACATATATAAATGGTGTTCA-3'
Protein context (NP_055098.1, residues 608-628): WFESETQIFC[Ser618Arg]ELTTICCISS